The following is an entry in ClinVar:

ClinVar aggregate classification (germline): Conflicting classifications of pathogenicity. Review status: criteria provided, conflicting classifications (1 of 4 stars). 6 submissions from 6 submitters: Pathogenic (2); Likely pathogenic (2); Uncertain significance (1). 1 of the submissions does not count toward it. Last evaluated 2026-01-18.

Conditions:
KCNH2-related disorder. Also called: KCNH2-related disorders; KCNH2-related condition.
Cardiovascular phenotype. Identifiers: MedGen CN230736.
Familial long QT syndrome (RWS). Also called: Congenital long QT syndrome; Romano-Ward syndrome; VENTRICULAR FIBRILLATION WITH PROLONGED QT INTERVAL. Identifiers: Orphanet 768, MedGen C1141890, MONDO:0019171.
Long QT syndrome (LQTS). Identifiers: MedGen C0023976, MeSH D008133, MONDO:0002442. Disease mechanism: loss of function. Inheritance: Various modes of inheritance.

Submissions (6):

Labcorp Genetics (formerly Invitae), Labcorp
Classification: Pathogenic for Long QT syndrome. Last evaluated: 2026-01-18. Review status: criteria provided, single submitter. Criteria: Invitae Variant Classification Sherloc (09022015). Collection method: clinical testing. Allele origin: germline.
Comment: This sequence change replaces glycine, which is neutral and non-polar, with serine, which is neutral and polar, at codon 657 of the KCNH2 protein (p.Gly657Ser). This variant is not present in population databases (gnomAD no frequency). This missense change has been observed in individuals with KCNH2-related conditions (PMID: 19716085; internal data). ClinVar contains an entry for this variant (Variation ID: 67348). An algorithm developed to predict the effect of missense changes on protein structure and function (PolyPhen-2) suggests that this variant is likely to be disruptive. Experimental studies have shown that this missense change affects KCNH2 function (PMID: 17823114, 19841300, 25348405, 26958806). This variant disrupts the p.Gly657Cys amino acid residue in KCNH2. Other variant(s) that disrupt this residue have been determined to be pathogenic (PMID: 18752142, 18955593, 19862833, 26675252). This suggests that this residue is clinically significant, and that variants that disrupt this residue are likely to be disease-causing. For these reasons, this variant has been classified as Pathogenic.

Blueprint Genetics
Classification: Pathogenic for KCNH2-related disorders. Last evaluated: 2023-11-23. Review status: criteria provided, single submitter. Criteria: ACMG Guidelines, 2015. Collection method: clinical testing. Allele origin: germline. Affected: yes. Observed: 2 variant alleles.

GeneDx
Classification: Likely pathogenic. Last evaluated: 2023-08-12. Review status: criteria provided, single submitter. Criteria: GeneDx Variant Classification Process June 2021. Collection method: clinical testing. Allele origin: germline. Affected: yes.
Comment: Identified in a patient with suspected long QT syndrome (Marschall et al., 2019); Published functional studies demonstrate a damaging effect, including defective protein expression, reduced charge during repolarization, reduced IKv11.1 amplitude in response to premature depolarization, and slower deactivation kinetics (Perry et al., 2016); Not observed at significant frequency in large population cohorts (gnomAD); In silico analysis supports that this missense variant has a deleterious effect on protein structure/function; In silico analysis suggests this variant may impact gene splicing. In the absence of RNA/functional studies, the actual effect of this sequence change is unknown.; This variant is associated with the following publications: (PMID: 17823114, 20393304, 25348405, 19716085, 20850565, 26958806, 31737537)

Ambry Genetics
Classification: Uncertain significance for Cardiovascular phenotype. Last evaluated: 2022-12-15. Review status: criteria provided, single submitter. Criteria: Ambry General Variant Classification Scheme_2022. Collection method: clinical testing. Allele origin: germline.
Comment: The p.G657S variant (also known as c.1969G>A), located in coding exon 8 of the KCNH2 gene, results from a G to A substitution at nucleotide position 1969. The glycine at codon 657 is replaced by serine, an amino acid with similar properties. This alteration has been reported in long QT syndrome cohorts; however, clinical details were limited (Kapplinger JD et al. Heart Rhythm, 2009 Sep;6:1297-303; Berge KE et al. Scand J Clin Lab Invest, 2008;68:362-8; Kim JA et al. Heart Rhythm, 2010 Dec;7:1797-805; Marschall C et al. Cardiovasc Diagn Ther, 2019 Oct;9:S292-S298). Additionally, an in vitro study showed this alteration impacts protein function (Perry MD et al. J Physiol, 2016 Jul;594:4031-49). This amino acid position is highly conserved in available vertebrate species. In addition, this alteration is predicted to be deleterious by in silico analysis. Since supporting evidence is limited at this time, the clinical significance of this alteration remains unclear.

Laboratory for Molecular Medicine, Mass General Brigham Personalized Medicine
Classification: Likely pathogenic for Familial long QT syndrome. Last evaluated: 2021-06-07. Review status: criteria provided, single submitter. Criteria: LMM Criteria. Collection method: clinical testing. Allele origin: germline. Inheritance: Autosomal dominant inheritance. Observed: 1 variant allele.
Comment: The p.Gly657Ser variant in KCNH2 has been previously reported in 1 individual referred for long QT syndrome (LQTS) genetic testing, and it has also been observed in 3 individuals with a reported diagnosis of LQTS by a clinical testing laboratory (Kapplinger 2009, personal communication ClinVar SCV000261846.3). It was absent from large population studies. In vitro functional studies have demonstrated an impact to normal KCNH2 potassium channel function, including when the variant is co-expressed with wild-type (Perry 2016, Hardman 2007). This variant is located in the transmembrane spanning S5/pore region of the KCNH2 protein, which has been deemed important for proper channel function (Kapa 2009 PMID: 19841300).Computational prediction tools and conservation analyses suggest an impact to the protein. In summary, although additional studies are required to fully establish its clinical significance, this variant meets criteria to be classified as likely pathogenic for autosomal dominant LQTS. ACMG/AMP criteria applied: PM2_Supporting, PP3, PM1, PS3_Supporting, PS4_Supporting.

Cardiovascular Biomedical Research Unit, Royal Brompton & Harefield NHS Foundation Trust
No classification provided. Condition: Familial long QT syndrome. Review status: no classification provided. Collection method: literature only. Allele origin: germline. Not counted in ClinVar's aggregate classification.
Comment: This variant has been reported as associated with Long QT syndrome in the following publications (PMID:19716085). This is a literature report, and does not necessarily reflect the clinical interpretation of the Imperial College / Royal Brompton Cardiovascular Genetics laboratory.

Literature cited by the submitters: PubMed 19716085 (cited by 4 submitters); PubMed 17823114 (cited by 3 submitters); PubMed 19841300 (cited by Labcorp Genetics (formerly Invitae), Labcorp); PubMed 25348405 (cited by Labcorp Genetics (formerly Invitae), Labcorp); PubMed 26958806 (cited by 3 submitters); PubMed 18752142 (cited by 3 submitters); PubMed 18955593 (cited by Labcorp Genetics (formerly Invitae), Labcorp); PubMed 19862833 (cited by Labcorp Genetics (formerly Invitae), Labcorp); PubMed 26675252 (cited by Labcorp Genetics (formerly Invitae), Labcorp and Laboratory for Molecular Medicine, Mass General Brigham Personalized Medicine); PubMed 20850565 (cited by Ambry Genetics); PubMed 31737537 (cited by Ambry Genetics); PubMed 22581653 (cited by Cardiovascular Biomedical Research Unit, Royal Brompton & Harefield NHS Foundation Trust).

NM_000238.4(KCNH2):c.1969G>A (p.Gly657Ser)

Gene: KCNH2 (potassium voltage-gated channel subfamily H member 2; minus strand). Cytogenetic location: 7q36.1.
Variant type: single nucleotide variant.
Coding change: c.1969G>A on transcript NM_000238.4 (MANE Select); coding-DNA position 1969, G replaced by A.
Protein change: p.Gly657Ser; replaces glycine 657 with serine.
Molecular consequence: missense variant.
Genome position (GRCh38, 1-based): chr7:150,951,097, C>T on the plus strand (G>A on the coding strand, the complement: KCNH2 is on the minus strand). VCF-style: chr7-150951097-C-T. GRCh37 (hg19) VCF-style: chr7-150648185-C-T.
Other names: NM_000238.3:c.1969G>A;p.Gly657Ser; c.1969G>A (LRG_288t1, NM_000238.2); c.949G>A, p.Gly317Ser (NM_001204798.2, NM_172057.3); c.1681G>A, p.Gly561Ser (NM_001406753.1, NM_001406756.1); c.1792G>A, p.Gly598Ser (NM_001406755.1); c.1669G>A, p.Gly557Ser (NM_001406757.1); c.1969G>A, p.Gly657Ser (NM_172056.3); short protein forms G317S, G657S, G557S, G561S, G598S.
Identifiers: ClinVar variation 67348 (VCV000067348.16), dbSNP rs199472978, ClinGen allele CA006114.
Genomic context (GRCh38, chr7:150,951,097, plus strand): 5'-TCTGTGTGTGGTAGCGGGCTGTGCCCGAGTACAGCCGCTGGATGATGGCCGACACGTTGC[C>T]GAAGATGCTAGCATACATGAGGGCTGGGGGCGTGGGCACGTGGGGCCGTCAGCCTCTGCA-3'
Protein context (NP_000229.1, residues 647-667): IGSLMYASIF[Gly657Ser]NVSAIIQRLY